The following is an entry in ClinVar:

NM_020745.4(AARS2):c.348C>T (p.Asn116=)

Gene: AARS2 (alanyl-tRNA synthetase 2, mitochondrial; minus strand). Cytogenetic location: 6p21.1.
Variant type: single nucleotide variant.
Coding change: c.348C>T on transcript NM_020745.4 (MANE Select); coding-DNA position 348, C replaced by T.
Protein change: p.Asn116=; no amino-acid change (asparagine 116 retained).
Molecular consequence: synonymous variant.
Genome position (GRCh38, 1-based): chr6:44,312,159, G>A on the plus strand (C>T on the coding strand, the complement: AARS2 is on the minus strand). VCF-style: chr6-44312159-G-A. GRCh37 (hg19) VCF-style: chr6-44279896-G-A.
Identifiers: ClinVar variation 2696835 (VCV002696835.12), dbSNP rs201621703, ClinGen allele CA3834679.

ClinVar aggregate classification (germline): Likely benign. Review status: criteria provided, multiple submitters, no conflicts (2 of 4 stars). 3 submissions from 3 submitters: Likely benign (3). Last evaluated 2025-09-02.

Allele frequency attached by ClinVar (database versions not stated): ExAC 0.00002; gnomAD 0.00005; TOPMed 0.00005; gnomAD exomes 0.00006; 1000 Genomes Project 30x 0.00031; 1000 Genomes Project 0.00040.

Submissions (3):

Labcorp Genetics (formerly Invitae), Labcorp
Classification: Likely benign. Last evaluated: 2025-09-02. Review status: criteria provided, single submitter. Criteria: Invitae Variant Classification Sherloc (09022015). Collection method: clinical testing. Allele origin: germline.

CeGaT Center for Human Genetics Tuebingen
Classification: Likely benign. Last evaluated: 2025-07-01. Review status: criteria provided, single submitter. Criteria: CeGaT Center For Human Genetics Tuebingen Variant Classification Criteria Version 2. Collection method: clinical testing. Allele origin: germline. Affected: yes. Observed: 1 variant allele.
Comment: AARS2: BP4, BP7

Blueprint Genetics
Classification: Likely benign. Last evaluated: 2022-09-29. Review status: criteria provided, single submitter. Criteria: ACMG Guidelines, 2015. Collection method: clinical testing. Allele origin: germline.